The following is an entry in ClinVar:

ClinVar aggregate classification (germline): Pathogenic. Review status: reviewed by expert panel (3 of 4 stars). 3 submissions from 3 submitters: Pathogenic (1). 2 of the submissions do not count toward it. Last evaluated 2025-02-25.

Conditions:
Autosomal recessive limb-girdle muscular dystrophy. Identifiers: Orphanet 102015, MedGen C2931907, MONDO:0015152.
Neuromuscular disease caused by qualitative or quantitative defects of dysferlin. Also called: Qualitative or quantitative defects of dysferlin; Dysferlinopathy. Identifiers: Orphanet 207073, MedGen C2931687, MONDO:0016145.

Submissions (3):

ClinGen Limb Girdle Muscular Dystrophy Variant Curation Expert Panel, ClinGen
Classification: Pathogenic for Autosomal recessive limb-girdle muscular dystrophy. Last evaluated: 2025-02-25. Review status: reviewed by expert panel. Criteria: ClinGen LGMD VCEP ACMG Specifications DYSF V1.0.0. Collection method: curation. Allele origin: germline. Inheritance: Autosomal recessive inheritance.
Comment: The NM_003494.4: c.5181del p.(Glu1727AspfsTer7) variant in DYSF, which is also known as NM_001130987.2: c.5298del (p.Glu1766AspfsTer7), is a frameshift variant predicted to cause a premature stop codon in biologically relevant exon 46/55, leading to nonsense mediated decay in a gene in which loss of function is an established disease mechanism (PVS1). This variant has been reported in at least two individuals with clinical signs of limb girdle muscular dystrophy, including in a homozygous state (0.5 pts, PMID: 29970176) and confirmed in trans with a likely pathogenic or pathogenic variant (c.1668_1669insGTT p.(Leu556_Leu557insVal), 1.0 pt, PMID: 36983702) (PM3). At least one patient with this variant displayed progressive weakness and severely reduced or absent dysferlin protein expression, which is highly specific for DYSF-associated LGMD (PP4_Strong, PMID: 36983702). The highest population minor allele frequency is 0.0000008474 (1/1180036 alleles) in the European (non-Finnish) population in gnomAD v4.1.0, which is less than the LGMD VCEP threshold (≤0.0001) for PM2_Supporting, meeting this criterion (PM2_Supporting). In summary, this variant meets the criteria to be classified as Pathogenic for autosomal recessive limb girdle muscular dystrophy based on the ACMG/AMP criteria applied, as specified by the ClinGen LGMD VCEP (LGMD VCEP specifications version 1.0.0; 02/25/2025): PVS1, PM3, PP4_Strong, PM2_Supporting.

Myriad Genetics, Inc.
Classification: Pathogenic for Autosomal recessive limb-girdle muscular dystrophy. Last evaluated: 2024-02-21. Review status: criteria provided, single submitter. Criteria: Myriad Autosomal Dominant, Autosomal Recessive and X-Linked Classification Criteria (2023). Collection method: clinical testing. Allele origin: unknown. Not counted in ClinVar's aggregate classification.
Comment: NM_003494.3(DYSF):c.5181delA(E1727Dfs*7) is expected to be pathogenic in the context of dysferlinopathy. This variant is predicted to lead to an abnormal or absent protein product due to the creation of a premature termination codon in DYSF, a gene where loss-of-function variants are known to be pathogenic. Please note: this variant was assessed in the context of healthy population screening.

Labcorp Genetics (formerly Invitae), Labcorp
Classification: Pathogenic for Neuromuscular disease caused by qualitative or quantitative defects of dysferlin. Last evaluated: 2022-02-28. Review status: criteria provided, single submitter. Criteria: Invitae Variant Classification Sherloc (09022015). Collection method: clinical testing. Allele origin: germline. Not counted in ClinVar's aggregate classification.
Comment: For these reasons, this variant has been classified as Pathogenic. This premature translational stop signal has been observed in individual(s) with clinical features of limb-girdle muscular dystrophy (PMID: 29970176). This variant is not present in population databases (gnomAD no frequency). This sequence change creates a premature translational stop signal (p.Glu1727Aspfs*7) in the DYSF gene. It is expected to result in an absent or disrupted protein product. Loss-of-function variants in DYSF are known to be pathogenic (PMID: 17698709, 20301480).

Literature cited by the submitters: PubMed 29970176 (cited by Labcorp Genetics (formerly Invitae), Labcorp); PubMed 17698709 (cited by Labcorp Genetics (formerly Invitae), Labcorp); PubMed 20301480 (cited by Labcorp Genetics (formerly Invitae), Labcorp).

NM_001130987.2(DYSF):c.5298del (p.Glu1766fs)

Gene: DYSF (dysferlin; plus strand). Cytogenetic location: 2p13.2.
Variant type: Deletion.
Coding change: c.5298del on transcript NM_001130987.2 (MANE Select); coding-DNA position 5298, one base deleted (A; older notation c.5298delA).
Protein change: p.Glu1766fs; shifts the reading frame from glutamic acid 1766.
Molecular consequence: frameshift variant.
Genome position (GRCh38, 1-based): chr2:71,665,285, A deleted; the last of 2 consecutive A bases (chr2:71,665,284-71,665,285); deleting either gives the same sequence. VCF-style (leftmost placement, unchanged base first): chr2-71665283-GA-G. GRCh37 (hg19) VCF-style: chr2-71892413-GA-G.
Other names: NM_001130987.2(DYSF):c.5298del; p.Glu1766fs; c.5184del, p.Glu1728fs (NM_001130455.2); c.5139del, p.Glu1713fs (NM_001130976.2); c.5202del, p.Glu1734fs (NM_001130977.2); c.5244del, p.Glu1748fs (NM_001130978.2); c.5274del, p.Glu1758fs (NM_001130979.2); c.5232del, p.Glu1744fs (NM_001130980.2); and 7 more; short protein forms E1714fs, E1728fs, E1744fs, E1745fs, E1748fs, E1758fs, E1759fs, E1766fs.
Identifiers: ClinVar variation 1455030 (VCV001455030.8), dbSNP rs2152951851, ClinGen allele CA2573135907.
Genomic context (GRCh38, chr2:71,665,283, plus strand): 5'-CAGCAGCATAGAGTCAAGGCACCTGTGTACCGGACAGACCGTGTAATGTTTCAGGATAAA[GA>G]ATATTCCATTGAAGAGATAGGTGAGCTGCCACATGACCCCAAACCATGGTGGGCTCTCGC-3'